The following is an entry in ClinVar:

ClinVar aggregate classification (germline): Uncertain significance (1 of 4 stars; one submission).

Conditions:
Epilepsy, familial adult myoclonic, 5 (EPEO5). Also called: CORTICAL MYOCLONIC TREMOR WITH EPILEPSY, FAMILIAL, 5. Identifiers: Orphanet 86814, MedGen C3809374, MONDO:0014167, OMIM 615400.

Allele frequency attached by ClinVar (database versions not stated): gnomAD exomes below 0.00001.
gnomAD v4.1: 1 of 1,613,920 alleles (0.000062%); highest among the groups gnomAD compares: Non-Finnish European, 0.000085%; no homozygotes.

Submission:

Labcorp Genetics (formerly Invitae), Labcorp
Classification: Uncertain significance for Epilepsy, familial adult myoclonic, 5. Last evaluated: 2022-05-05. Review status: criteria provided, single submitter. Criteria: Invitae Variant Classification Sherloc (09022015). Collection method: clinical testing. Allele origin: germline.
Comment: This sequence change replaces alanine, which is neutral and non-polar, with valine, which is neutral and non-polar, at codon 60 of the CNTN2 protein (p.Ala60Val). This variant is not present in population databases (gnomAD no frequency). This variant has not been reported in the literature in individuals affected with CNTN2-related conditions. Advanced modeling of protein sequence and biophysical properties (such as structural, functional, and spatial information, amino acid conservation, physicochemical variation, residue mobility, and thermodynamic stability) performed at Invitae indicates that this missense variant is not expected to disrupt CNTN2 protein function. In summary, the available evidence is currently insufficient to determine the role of this variant in disease. Therefore, it has been classified as a Variant of Uncertain Significance.

NM_005076.5(CNTN2):c.179C>T (p.Ala60Val)

Gene: CNTN2 (contactin 2; plus strand). Cytogenetic location: 1q32.1.
Variant type: single nucleotide variant.
Coding change: c.179C>T on transcript NM_005076.5 (MANE Select); coding-DNA position 179, C replaced by T.
Protein change: p.Ala60Val; replaces alanine 60 with valine.
Molecular consequence: missense variant. On other transcripts: non-coding transcript variant (1).
Genome position (GRCh38, 1-based): chr1:205,058,029, C>T. VCF-style: chr1-205058029-C-T. GRCh37 (hg19) VCF-style: chr1-205027157-C-T.
Other names: c.179C>T, p.Ala60Val (NM_001346083.2); short protein forms A60V.
Identifiers: ClinVar variation 2134305 (VCV002134305.1), dbSNP rs2526346022, ClinGen allele CA344403299.